The following is an entry in ClinVar:

NM_203447.4(DOCK8):c.2231C>G (p.Thr744Ser)

Gene: DOCK8 (dedicator of cytokinesis 8; plus strand). Cytogenetic location: 9p24.3.
Variant type: single nucleotide variant.
Coding change: c.2231C>G on transcript NM_203447.4 (MANE Select); coding-DNA position 2231, C replaced by G.
Protein change: p.Thr744Ser; replaces threonine 744 with serine.
Molecular consequence: missense variant.
Genome position (GRCh38, 1-based): chr9:377,002, C>G. VCF-style: chr9-377002-C-G. GRCh37 (hg19) VCF-style: chr9-377002-C-G.
Other names: c.2027C>G, p.Thr676Ser (NM_001190458.2, NM_001193536.2); short protein forms T676S, T744S.
Identifiers: ClinVar variation 4743854 (VCV004743854.1).

ClinVar aggregate classification (germline): Uncertain significance (1 of 4 stars; one submission).

Conditions:
Combined immunodeficiency due to DOCK8 deficiency (HIES2). Also called: HYPER-IgE SYNDROME 2, AUTOSOMAL RECESSIVE, WITH RECURRENT INFECTIONS; DOCK8 Deficiency; HIES autosomal recessive; Hyper-IgE recurrent infection syndrome, autosomal recessive; HYPER-IgE RECURRENT INFECTION SYNDROME 2, AUTOSOMAL RECESSIVE. Identifiers: Orphanet 217390, MedGen C4722305, MONDO:0009478, OMIM 243700.

Submission:

Labcorp Genetics (formerly Invitae), Labcorp
Classification: Uncertain significance for Combined immunodeficiency due to DOCK8 deficiency. Last evaluated: 2025-05-18. Review status: criteria provided, single submitter. Criteria: Invitae Variant Classification Sherloc (09022015). Collection method: clinical testing. Allele origin: germline.
Comment: This sequence change replaces threonine, which is neutral and polar, with serine, which is neutral and polar, at codon 744 of the DOCK8 protein (p.Thr744Ser). This variant is not present in population databases (gnomAD no frequency). This variant has not been reported in the literature in individuals affected with DOCK8-related conditions. Invitae Evidence Modeling of protein sequence and biophysical properties (such as structural, functional, and spatial information, amino acid conservation, physicochemical variation, residue mobility, and thermodynamic stability) indicates that this missense variant is not expected to disrupt DOCK8 protein function with a negative predictive value of 80%. In summary, the available evidence is currently insufficient to determine the role of this variant in disease. Therefore, it has been classified as a Variant of Uncertain Significance.